The following is an entry in ClinVar:

NM_000168.6(GLI3):c.3496A>G (p.Ser1166Gly)

Gene: GLI3 (GLI family zinc finger 3; minus strand). Cytogenetic location: 7p14.1.
Variant type: single nucleotide variant.
Coding change: c.3496A>G on transcript NM_000168.6 (MANE Select); coding-DNA position 3496, A replaced by G.
Protein change: p.Ser1166Gly; replaces serine 1166 with glycine.
Molecular consequence: missense variant.
Genome position (GRCh38, 1-based): chr7:41,965,577, T>C on the plus strand (A>G on the coding strand, the complement: GLI3 is on the minus strand). VCF-style: chr7-41965577-T-C. GRCh37 (hg19) VCF-style: chr7-42005175-T-C.
Other names: short protein forms S1166G.
Identifiers: ClinVar variation 3343539 (VCV003343539.1).

ClinVar aggregate classification (germline): Uncertain significance (1 of 4 stars; one submission).

Submission:

GeneDx
Classification: Uncertain significance. Last evaluated: 2023-05-17. Review status: criteria provided, single submitter. Criteria: GeneDx Variant Classification Process June 2021. Collection method: clinical testing. Allele origin: germline. Affected: yes.
Comment: Not observed at significant frequency in large population cohorts (gnomAD); In silico analysis supports that this missense variant has a deleterious effect on protein structure/function; Has not been previously published as pathogenic or benign to our knowledge